The following is an entry in ClinVar:

ClinVar aggregate classification (germline): Uncertain significance. Review status: criteria provided, multiple submitters, no conflicts (2 of 4 stars). 2 submissions from 2 submitters: Uncertain significance (2). Last evaluated 2021-11-04.

Conditions:
Xeroderma pigmentosum, group D (XPD). Also called: XERODERMA PIGMENTOSUM, COMPLEMENTATION GROUP D; XERODERMA PIGMENTOSUM IV; XP, GROUP D; XP, GROUP H; ERCC2-Related Xeroderma Pigmentosum. Identifiers: MedGen C0268138, MONDO:0010212, OMIM 278730.

Allele frequency attached by ClinVar (database versions not stated): gnomAD 0.00001.
gnomAD v4.1: 2 of 1,613,264 alleles (0.00012%); highest among the groups gnomAD compares: East Asian, 0.0022%; no homozygotes.

Submissions (2):

Labcorp Genetics (formerly Invitae), Labcorp
Classification: Uncertain significance. Last evaluated: 2021-11-04. Review status: criteria provided, single submitter. Criteria: Invitae Variant Classification Sherloc (09022015). Collection method: clinical testing. Allele origin: germline.
Comment: This sequence change replaces tyrosine, which is neutral and polar, with cysteine, which is neutral and slightly polar, at codon 11 of the ERCC2 protein (p.Tyr11Cys). This variant is present in population databases (rs748033766, gnomAD 0.006%). This variant has not been reported in the literature in individuals affected with ERCC2-related conditions. ClinVar contains an entry for this variant (Variation ID: 894712). Algorithms developed to predict the effect of missense changes on protein structure and function are either unavailable or do not agree on the potential impact of this missense change (SIFT: "Deleterious"; PolyPhen-2: "Possibly Damaging"; Align-GVGD: "Class C0"). In summary, the available evidence is currently insufficient to determine the role of this variant in disease. Therefore, it has been classified as a Variant of Uncertain Significance.

Illumina Laboratory Services, Illumina
Classification: Uncertain significance for Xeroderma pigmentosum, group D. Last evaluated: 2018-01-12. Review status: criteria provided, single submitter. Criteria: ICSL Variant Classification Criteria 13 December 2019. Collection method: clinical testing. Allele origin: germline.

NM_000400.4(ERCC2):c.32A>G (p.Tyr11Cys)

Gene: ERCC2 (ERCC excision repair 2, TFIIH core complex helicase subunit; minus strand). Cytogenetic location: 19q13.32.
Variant type: single nucleotide variant.
Coding change: c.32A>G on transcript NM_000400.4 (MANE Select); coding-DNA position 32, A replaced by G.
Protein change: p.Tyr11Cys; replaces tyrosine 11 with cysteine.
Molecular consequence: missense variant. On other transcripts: 5 prime UTR variant (1).
Genome position (GRCh38, 1-based): chr19:45,370,206, T>C on the plus strand (A>G on the coding strand, the complement: ERCC2 is on the minus strand). VCF-style: chr19-45370206-T-C. GRCh37 (hg19) VCF-style: chr19-45873464-T-C.
Other names: c.-41A>G (NM_001130867.2); short protein forms Y11C.
Identifiers: ClinVar variation 894712 (VCV000894712.6), dbSNP rs748033766, ClinGen allele CA9513953.
Genomic context (GRCh38, chr19:45,370,206, plus strand): 5'-GTGCGTTTGAGCTCCCGCATGTAGGAGAACTGCTCGGGGTAGATGTAGTCGTACGGGAAG[T>C]AGACCAGGAGCCCGTCCACGTTGAGCCTGGCGGCAGGGGCTGCTGGGTCAGTTCCCGTCC-3'
Protein context (NP_000391.1, residues 1-21): MKLNVDGLLV[Tyr11Cys]FPYDYIYPEQ